The following is an entry in ClinVar:

NM_001040108.2(MLH3):c.3863A>C (p.Glu1288Ala)

Gene: MLH3 (mutL homolog 3; minus strand). Cytogenetic location: 14q24.3.
Variant type: single nucleotide variant.
Coding change: c.3863A>C on transcript NM_001040108.2 (MANE Select); coding-DNA position 3863, A replaced by C.
Protein change: p.Glu1288Ala; replaces glutamic acid 1288 with alanine.
Molecular consequence: missense variant.
Genome position (GRCh38, 1-based): chr14:75,030,667, T>G on the plus strand (A>C on the coding strand, the complement: MLH3 is on the minus strand). VCF-style: chr14-75030667-T-G. GRCh37 (hg19) VCF-style: chr14-75497370-T-G.
Other names: c.3791A>C, p.Glu1264Ala (NM_014381.3); short protein forms E1288A, E1264A.
Identifiers: ClinVar variation 1735625 (VCV001735625.6), dbSNP rs1890989969, ClinGen allele CA390423163.

ClinVar aggregate classification (germline): Uncertain significance. Review status: criteria provided, multiple submitters, no conflicts (2 of 4 stars). 2 submissions from 2 submitters: Uncertain significance (2). Last evaluated 2024-09-16.

Conditions:
Colorectal cancer, hereditary nonpolyposis, type 7. Identifiers: Orphanet 144, MedGen C1858380, MONDO:0013725, OMIM 614385.

Allele frequency attached by ClinVar (database versions not stated): gnomAD exomes below 0.00001; TOPMed 0.00001.
gnomAD v4.1: 5 of 1,613,968 alleles (0.00031%); highest among the groups gnomAD compares: Non-Finnish European, 0.00042%; no homozygotes.

Submissions (2):

Ambry Genetics
Classification: Uncertain significance. Last evaluated: 2024-09-16. Review status: criteria provided, single submitter. Criteria: Ambry Variant Classification Scheme 2023. Collection method: clinical testing. Allele origin: germline.
Comment: The p.E1288A variant (also known as c.3863A>C), located in coding exon 8 of the MLH3 gene, results from an A to C substitution at nucleotide position 3863. The glutamic acid at codon 1288 is replaced by alanine, an amino acid with dissimilar properties. This amino acid position is conserved. In addition, the in silico prediction for this alteration is inconclusive. Since supporting evidence is limited at this time, the clinical significance of this alteration remains unclear.

Labcorp Genetics (formerly Invitae), Labcorp
Classification: Uncertain significance for Colorectal cancer, hereditary nonpolyposis, type 7. Last evaluated: 2023-04-01. Review status: criteria provided, single submitter. Criteria: Invitae Variant Classification Sherloc (09022015). Collection method: clinical testing. Allele origin: germline.
Comment: In summary, the available evidence is currently insufficient to determine the role of this variant in disease. Therefore, it has been classified as a Variant of Uncertain Significance. This sequence change replaces glutamic acid, which is acidic and polar, with alanine, which is neutral and non-polar, at codon 1288 of the MLH3 protein (p.Glu1288Ala). This variant is not present in population databases (gnomAD no frequency). This variant has not been reported in the literature in individuals affected with MLH3-related conditions. ClinVar contains an entry for this variant (Variation ID: 1735625). An algorithm developed to predict the effect of missense changes on protein structure and function (PolyPhen-2) suggests that this variant is likely to be disruptive.